The following is an entry in ClinVar:

NM_153006.3(NAGS):c.1037_1070del (p.His346fs)

Gene: NAGS (N-acetylglutamate synthase; plus strand). Cytogenetic location: 17q21.31.
Variant type: Deletion.
Coding change: c.1037_1070del on transcript NM_153006.3 (MANE Select); coding-DNA positions 1037 to 1070, 34 bases deleted.
Protein change: p.His346fs; shifts the reading frame from histidine 346.
Molecular consequence: frameshift variant.
Genome position (GRCh38, 1-based): chr17:44,006,650-44,006,683, 34 bases deleted. GRCh37 (hg19): chr17:42,084,018-42,084,051.
Other names: short protein forms H346fs.
Identifiers: ClinVar variation 1933213 (VCV001933213.5), dbSNP rs2509281618, ClinGen allele CA2580093934.

ClinVar aggregate classification (germline): Pathogenic (1 of 4 stars; one submission).

Conditions:
Hyperammonemia, type III (NAGSD). Also called: Hyperammonemia due to N-acetylglutamate synthase deficiency. Identifiers: Orphanet 927, MedGen C0268543, MONDO:0009377, OMIM 237310.

Submission:

Labcorp Genetics (formerly Invitae), Labcorp
Classification: Pathogenic for Hyperammonemia, type III. Last evaluated: 2022-10-05. Review status: criteria provided, single submitter. Criteria: Invitae Variant Classification Sherloc (09022015). Collection method: clinical testing. Allele origin: germline.
Comment: This sequence change creates a premature translational stop signal (p.His346Argfs*35) in the NAGS gene. It is expected to result in an absent or disrupted protein product. Loss-of-function variants in NAGS are known to be pathogenic (PMID: 12594532). For these reasons, this variant has been classified as Pathogenic. This variant has not been reported in the literature in individuals affected with NAGS-related conditions. This variant is not present in population databases (gnomAD no frequency).

Literature cited by the submitters: PubMed 12594532.